The following is an entry in ClinVar:

NM_019076.5(UGT1A8):c.1502T>A (p.Phe501Tyr)

Genes: UGT1A (UDP glucuronosyltransferase family 1 member A complex locus; plus strand), UGT1A1 (UDP glucuronosyltransferase family 1 member A1; plus strand), UGT1A10 (UDP glucuronosyltransferase family 1 member A10; plus strand), UGT1A3 (UDP glucuronosyltransferase family 1 member A3; plus strand), UGT1A4 (UDP glucuronosyltransferase family 1 member A4; plus strand) and 5 more. Cytogenetic location: 2q37.1.
Variant type: single nucleotide variant.
Coding change: c.1502T>A on transcript NM_019076.5 (MANE Select); coding-DNA position 1502, T replaced by A.
Protein change: p.Phe501Tyr; replaces phenylalanine 501 with tyrosine.
Molecular consequence: missense variant.
Genome position (GRCh38, 1-based): chr2:233,772,468, T>A. VCF-style: chr2-233772468-T-A. GRCh37 (hg19) VCF-style: chr2-234681114-T-A.
Other names: c.1502T>A, p.Phe501Tyr (NM_019075.4, NM_019077.3, NM_021027.3); c.1508T>A, p.Phe503Tyr (NM_001072.4); c.707T>A, p.Phe236Tyr (NM_205862.3); c.1514T>A, p.Phe505Tyr (NM_019078.2, NM_007120.3, NM_019093.4); c.1511T>A, p.Phe504Tyr (NM_000463.3); short protein forms F503Y, F504Y, F501Y, F505Y, F236Y.
Identifiers: ClinVar variation 2920928 (VCV002920928.1), dbSNP rs767732319, ClinGen allele CA2180147.

ClinVar aggregate classification (germline): Uncertain significance (1 of 4 stars; one submission).

Allele frequency attached by ClinVar (database versions not stated): ExAC 0.00002.
gnomAD v4.1: 6 of 1,614,162 alleles (0.00037%); highest among the groups gnomAD compares: South Asian, 0.0066%; no homozygotes.

Submission:

ARUP Laboratories, Molecular Genetics and Genomics, ARUP Laboratories
Classification: Uncertain significance. Last evaluated: 2023-03-28. Review status: criteria provided, single submitter. Criteria: ARUP Molecular Germline Variant Investigation Process 2024. Collection method: clinical testing. Allele origin: germline.
Comment: The UGT1A1 c.1511T>A; p.Phe504Tyr variant (rs767732319) is reported in the literature in an individual with unconjugated hyperbilirubinemia (Gupta 2015). This variant is found in the South Asian population with an allele frequency of 0.0131% (4/30,616 alleles) in the Genome Aggregation Database. Computational analyses are uncertain whether this variant is neutral or deleterious (REVEL: 0.377). Due to limited information, the clinical significance of this variant is uncertain at this time. References: Gupta N et al. Identification of Promotor and Exonic Variations, and Functional Characterization of a Splice Site Mutation in Indian Patients with Unconjugated Hyperbilirubinemia. PLoS One. 2015 Dec 30;10(12):e0145967. PMID: 26716871.